The following is an entry in ClinVar:

NM_000891.3(KCNJ2):c.225G>A (p.Thr75=)

Gene: KCNJ2 (potassium inwardly rectifying channel subfamily J member 2; plus strand). Cytogenetic location: 17q24.3.
Variant type: single nucleotide variant.
Coding change: c.225G>A on transcript NM_000891.3 (MANE Select); coding-DNA position 225, G replaced by A.
Protein change: p.Thr75=; no amino-acid change (threonine 75 retained).
Molecular consequence: synonymous variant.
Genome position (GRCh38, 1-based): chr17:70,175,264, G>A. VCF-style: chr17-70175264-G-A. GRCh37 (hg19) VCF-style: chr17-68171405-G-A.
Identifiers: ClinVar variation 733252 (VCV000733252.15), dbSNP rs192172778, ClinGen allele CA8738702.

ClinVar aggregate classification (germline): Benign/Likely benign. Review status: criteria provided, multiple submitters, no conflicts (2 of 4 stars). 3 submissions from 3 submitters: Benign (1); Likely benign (2). Last evaluated 2026-06-01.

Conditions:
Cardiovascular phenotype. Identifiers: MedGen CN230736.
Andersen Tawil syndrome (LQT7). Also called: Andersen Syndrome; LONG QT SYNDROME 7; PERIODIC PARALYSIS, POTASSIUM-SENSITIVE CARDIODYSRHYTHMIC TYPE; ANDERSEN CARDIODYSRHYTHMIC PERIODIC PARALYSIS; Potassium-sensitive periodic paralysis, ventricular ectopy, and dysmorphic features. Identifiers: Orphanet 37553, MedGen C1563715, MONDO:0008222, OMIM 170390.
Short QT syndrome type 3. Identifiers: Orphanet 51083, MedGen C1865018, MONDO:0012314, OMIM 609622.

Allele frequency attached by ClinVar (database versions not stated): gnomAD 0.00003; TOPMed 0.00005; 1000 Genomes Project 30x 0.00016; 1000 Genomes Project 0.00020.

Submissions (3):

CeGaT Center for Human Genetics Tuebingen
Classification: Likely benign. Last evaluated: 2026-06-01. Review status: criteria provided, single submitter. Criteria: CeGaT Center For Human Genetics Tuebingen Variant Classification Criteria Version 2. Collection method: clinical testing. Allele origin: germline. Affected: yes. Observed: 1 variant allele.
Comment: KCNJ2: BP4, BP7

Labcorp Genetics (formerly Invitae), Labcorp
Classification: Benign for Short QT syndrome type 3; Andersen Tawil syndrome. Last evaluated: 2025-05-21. Review status: criteria provided, single submitter. Criteria: Invitae Variant Classification Sherloc (09022015). Collection method: clinical testing. Allele origin: germline.

Ambry Genetics
Classification: Likely benign for Cardiovascular phenotype. Last evaluated: 2022-10-02. Review status: criteria provided, single submitter. Criteria: Ambry Variant Classification Scheme 2023. Collection method: clinical testing. Allele origin: germline.